The following is an entry in ClinVar:

ClinVar aggregate classification (germline): Likely benign. Review status: criteria provided, single submitter (1 of 4 stars). 2 submissions from 2 submitters: Likely benign (1). 1 of the submissions does not count toward it. Last evaluated 2023-09-12.

Conditions:
Joubert syndrome. Also called: CEREBELLOPARENCHYMAL DISORDER IV; JOUBERT-BOLTSHAUSER SYNDROME; Familial aplasia of the vermis. Identifiers: Orphanet 475, MedGen C5979921, MONDO:0018772.
Nephronophthisis. Also called: Juvenile Nephronophthisis. Identifiers: Orphanet 655, MedGen C0687120, MONDO:0019005, HP:0000090.
Meckel-Gruber syndrome. Also called: DYSENCEPHALIA SPLANCHNOCYSTICA; GRUBER SYNDROME; Dysencephalia splachnocystica. Identifiers: Orphanet 564, MedGen C0265215, MONDO:0018921.
CEP290-related disorder. Also called: CEP290-related condition; CEP290-related disorders. Identifiers: MedGen CN239314.

Submissions (2):

Labcorp Genetics (formerly Invitae), Labcorp
Classification: Likely benign for Joubert syndrome; Meckel-Gruber syndrome; Nephronophthisis. Last evaluated: 2023-09-12. Review status: criteria provided, single submitter. Criteria: Invitae Variant Classification Sherloc (09022015). Collection method: clinical testing. Allele origin: germline.

PreventionGenetics, part of Exact Sciences
Classification: Likely benign for CEP290-related condition. Last evaluated: 2024-05-29. Review status: no assertion criteria provided. Collection method: clinical testing. Allele origin: germline. Not counted in ClinVar's aggregate classification.
Comment: This variant is classified as likely benign based on ACMG/AMP sequence variant interpretation guidelines (Richards et al. 2015 PMID: 25741868, with internal and published modifications).

NM_025114.4(CEP290):c.2673G>A (p.Val891=)

Gene: CEP290 (centrosomal protein 290; minus strand). Cytogenetic location: 12q21.32.
Variant type: single nucleotide variant.
Coding change: c.2673G>A on transcript NM_025114.4 (MANE Select); coding-DNA position 2673, G replaced by A.
Protein change: p.Val891=; no amino-acid change (valine 891 retained).
Molecular consequence: synonymous variant.
Genome position (GRCh38, 1-based): chr12:88,106,819, C>T on the plus strand (G>A on the coding strand, the complement: CEP290 is on the minus strand). VCF-style: chr12-88106819-C-T. GRCh37 (hg19) VCF-style: chr12-88500596-C-T.
Other names: c.2673G>A (NM_025114.3).
Identifiers: ClinVar variation 2932401 (VCV002932401.4), dbSNP rs200156425, ClinGen allele CA241149014.